The following is an entry in ClinVar:

ClinVar aggregate classification (germline): Uncertain significance (1 of 4 stars; one submission).

Submission:

GeneDx
Classification: Uncertain significance. Last evaluated: 2026-06-17. Review status: criteria provided, single submitter. Criteria: GeneDx Variant Classification Process June 2021. Collection method: clinical testing. Allele origin: germline.
Comment: In silico analysis supports that this missense variant has a deleterious effect on protein structure/function; Has not been previously published as pathogenic or benign to our knowledge

NM_001368397.1(FRMPD4):c.2036C>T (p.Pro679Leu)

Gene: FRMPD4 (FERM and PDZ domain containing 4; plus strand). Cytogenetic location: Xp22.2.
Variant type: single nucleotide variant.
Coding change: c.2036C>T on transcript NM_001368397.1 (MANE Select); coding-DNA position 2036, C replaced by T.
Protein change: p.Pro679Leu; replaces proline 679 with leucine.
Molecular consequence: missense variant.
Genome position (GRCh38, 1-based): chrX:12,716,495, C>T. VCF-style: chrX-12716495-C-T. GRCh37 (hg19) VCF-style: chrX-12734614-C-T.
Other names: c.2147C>T, p.Pro716Leu (NM_001368395.3, NM_001368398.3); c.2042C>T, p.Pro681Leu (NM_001368396.3); c.2027C>T, p.Pro676Leu (NM_001368399.3); c.1916C>T, p.Pro639Leu (NM_001368400.3); c.2012C>T, p.Pro671Leu (NM_001368401.1, NM_001368402.3); c.2036C>T, p.Pro679Leu (NM_014728.3); short protein forms P639L, P671L, P676L, P679L, P681L, P716L.
Identifiers: ClinVar variation 3900103 (VCV003900103.2).
Genomic context (GRCh38, chrX:12,716,495, plus strand): 5'-CCTTGGATGATGGTATTAGTCCCCCAACCCTTGGCTATGAAACGCTACTAGATGAGGGTC[C>T]TGAAATGCTGGAGAAGCAGAGAAATCTCTACATTGGCAGTGCCAATGACATGAAGGGCCT-3'
Protein context (NP_001355326.1, residues 669-689): LGYETLLDEG[Pro679Leu]EMLEKQRNLY